The following is an entry in ClinVar:

ClinVar aggregate classification (germline): Uncertain significance. Review status: criteria provided, multiple submitters, no conflicts (2 of 4 stars). 4 submissions from 4 submitters: Uncertain significance (4). Last evaluated 2026-01-26.

Conditions:
Hereditary cancer-predisposing syndrome. Also called: Neoplastic Syndromes, Hereditary; Tumor predisposition; Hereditary Cancer Syndrome; Hereditary neoplastic syndrome. Identifiers: Orphanet 140162, MedGen C0027672, MeSH D009386, MONDO:0015356.
Neuroblastoma, susceptibility to, 3. Also called: ALK-Related Neuroblastic Tumor Susceptibility. Identifiers: Orphanet 635, MedGen C2751681, MONDO:0013083, OMIM 613014.
ALK-related disorder. Also called: ALK-related condition.

Allele frequency attached by ClinVar (database versions not stated): gnomAD exomes 0.00001; ExAC 0.00002; gnomAD 0.00002 and 0.00003; TOPMed 0.00004; ESP Exome Variant Server 0.00008.

Submissions (4):

Labcorp Genetics (formerly Invitae), Labcorp
Classification: Uncertain significance for Neuroblastoma, susceptibility to, 3. Last evaluated: 2026-01-26. Review status: criteria provided, single submitter. Criteria: Invitae Variant Classification Sherloc (09022015). Collection method: clinical testing. Allele origin: germline.
Comment: This sequence change falls in intron 14 of the ALK gene. It does not directly change the encoded amino acid sequence of the ALK protein. It affects a nucleotide within the consensus splice site. This variant is present in population databases (rs755502856, gnomAD 0.01%). This variant has not been reported in the literature in individuals affected with ALK-related conditions. ClinVar contains an entry for this variant (Variation ID: 538179). Variants that disrupt the consensus splice site are a relatively common cause of aberrant splicing (PMID: 17576681, 9536098). Algorithms developed to predict the effect of sequence changes on RNA splicing suggest that this variant may disrupt the consensus splice site. In summary, the available evidence is currently insufficient to determine the role of this variant in disease. Therefore, it has been classified as a Variant of Uncertain Significance.

Ambry Genetics
Classification: Uncertain significance for Hereditary cancer-predisposing syndrome. Last evaluated: 2025-01-07. Review status: criteria provided, single submitter. Criteria: Ambry Variant Classification Scheme 2023. Collection method: clinical testing. Allele origin: germline.
Comment: The c.2487+4_2487+5insA intronic variant, results from an insertion of one nucleotide between nucleotide positions 2487+4 and 2487+5 in intron 14 of the ALK gene. This nucleotide region is not well conserved in available vertebrate species. In silico splice site analysis predicts that this alteration will result in the creation or strengthening of a novel splice donor site. Based on the available evidence, the clinical significance of this variant remains unclear.

GeneDx
Classification: Uncertain significance. Last evaluated: 2023-10-20. Review status: criteria provided, single submitter. Criteria: GeneDx Variant Classification Process June 2021. Collection method: clinical testing. Allele origin: germline. Affected: yes.
Comment: Not observed at significant frequency in large population cohorts (gnomAD); Has not been previously published as pathogenic or benign to our knowledge; In silico analysis is inconclusive as to whether the variant alters gene splicing. In the absence of RNA/functional studies, the actual effect of this sequence change is unknown.

PreventionGenetics, part of Exact Sciences
Classification: Uncertain significance for ALK-related condition. Last evaluated: 2022-10-20. Review status: criteria provided, single submitter. Criteria: ACMG Guidelines, 2015. Collection method: clinical testing. Allele origin: germline.
Comment: The ALK c.2487+4_2487+5insA variant is predicted to result in an in-frame amino acid insertion (Intronic). To our knowledge, this variant has not been reported in the literature. This variant is reported in 0.012% of alleles in individuals of African descent in gnomAD and has been interpreted as uncertain in ClinVar. At this time, the clinical significance of this variant is uncertain due to the absence of conclusive functional and genetic evidence.

Literature cited by the submitters: PubMed 17576681 (cited by Labcorp Genetics (formerly Invitae), Labcorp); PubMed 9536098 (cited by Labcorp Genetics (formerly Invitae), Labcorp).

NM_004304.5(ALK):c.2487+4_2487+5insA

Gene: ALK (ALK receptor tyrosine kinase; minus strand). Cytogenetic location: 2p23.2.
Variant type: Insertion.
Coding change: c.2487+4_2487+5insA on transcript NM_004304.5 (MANE Select); bases 4 to 5 of the intron after coding-DNA position 2487, A inserted.
Molecular consequence: intron variant.
Genome position: GRCh38 VCF-style: chr2-29233560-C-CT. GRCh37 (hg19) VCF-style: chr2-29456426-C-CT.
Identifiers: ClinVar variation 538179 (VCV000538179.11), dbSNP rs755502856, ClinGen allele CA1594300.
Genomic context (GRCh38, chr2:29,233,560, plus strand): 5'-GTCATGAGGCTCTGACATTGCAGATGCACAGGAACCTGGTGGAAATCTGGCAGCACACAC[C>CT]ATACCTTAAATACGTAGGTGGCTCCACCCCCTCCTCCTCCGCCTCCTGCCCACTCATGCA-3'